The following is an entry in ClinVar:

NM_001040108.2(MLH3):c.367del (p.Leu123fs)

Gene: MLH3 (mutL homolog 3; minus strand). Cytogenetic location: 14q24.3.
Variant type: Deletion.
Coding change: c.367del on transcript NM_001040108.2 (MANE Select); coding-DNA position 367, one base deleted (C; older notation c.367delC).
Protein change: p.Leu123fs; shifts the reading frame from leucine 123.
Molecular consequence: frameshift variant.
Genome position (GRCh38, 1-based): chr14:75,049,289, G deleted on the plus strand (C on the coding strand, the reverse complement: MLH3 is on the minus strand). VCF-style (leftmost placement, unchanged base first): chr14-75049288-AG-A. GRCh37 (hg19) VCF-style: chr14-75515991-AG-A.
Other names: c.367del, p.Leu123fs (NM_014381.3); short protein forms L123fs.
Identifiers: ClinVar variation 4883913 (VCV004883913.2).

ClinVar aggregate classification (germline): Uncertain significance (1 of 4 stars; one submission).

Submission:

Dasa
Classification: Uncertain significance. Last evaluated: 2025-06-18. Review status: criteria provided, single submitter. Criteria: DASA Assertion Criteria. Collection method: clinical testing. Allele origin: germline.
Comment: NM_001040108.2(MLH3):c.367del (p.Leu123Cysfs*8) is a frameshift variant in MLH3 predicted to alter the reading frame and introduce a premature termination codon. This variant is absent from population databases. The currently available literature and clinical evidence are not sufficient to establish a definitive association between this variant and the reported condition. Therefore, this variant is classified as a variant of uncertain significance.